The following is an entry in ClinVar:

ClinVar aggregate classification (germline): Uncertain significance. Review status: criteria provided, multiple submitters, no conflicts (2 of 4 stars). 3 submissions from 3 submitters: Uncertain significance (3). Last evaluated 2026-08-16.

Conditions:
STX3-related disorder. Also called: STX3-related condition.
Inborn genetic diseases. Identifiers: MedGen C0950123, MeSH D030342.

Allele frequency attached by ClinVar (database versions not stated): TOPMed below 0.00001.
gnomAD v4.1: 44 of 1,610,426 alleles (0.0027%); highest among the groups gnomAD compares: Middle Eastern, 0.016%; no homozygotes.

Submissions (3):

PreventionGenetics, part of Exact Sciences
Classification: Uncertain significance for STX3-related condition. Last evaluated: 2026-08-16. Review status: criteria provided, single submitter. Criteria: ACMG Guidelines, 2015. Collection method: clinical testing. Allele origin: germline.
Comment: The STX3 c.271G>T variant is predicted to result in the amino acid substitution p.Val91Phe. To our knowledge, this variant has not been reported in the literature. This variant is reported in 0.069% of alleles in individuals of Ashkenazi Jewish descent in gnomAD. At this time, the clinical significance of this variant is uncertain due to the absence of conclusive functional and genetic evidence.

Ambry Genetics
Classification: Uncertain significance for Inborn genetic diseases. Last evaluated: 2023-11-07. Review status: criteria provided, single submitter. Criteria: Ambry Variant Classification Scheme 2023. Collection method: clinical testing. Allele origin: germline.

Labcorp Genetics (formerly Invitae), Labcorp
Classification: Uncertain significance. Last evaluated: 2022-02-08. Review status: criteria provided, single submitter. Criteria: Invitae Variant Classification Sherloc (09022015). Collection method: clinical testing. Allele origin: germline.
Comment: In summary, the available evidence is currently insufficient to determine the role of this variant in disease. Therefore, it has been classified as a Variant of Uncertain Significance. Algorithms developed to predict the effect of missense changes on protein structure and function are either unavailable or do not agree on the potential impact of this missense change (SIFT: "Deleterious"; PolyPhen-2: "Benign"; Align-GVGD: "Class C0"). This variant has not been reported in the literature in individuals affected with STX3-related conditions. This variant is present in population databases (rs200311584, gnomAD 0.07%). This sequence change replaces valine, which is neutral and non-polar, with phenylalanine, which is neutral and non-polar, at codon 91 of the STX3 protein (p.Val91Phe).

NM_004177.5(STX3):c.271G>T (p.Val91Phe)

Gene: STX3 (syntaxin 3; plus strand). Cytogenetic location: 11q12.1.
Variant type: single nucleotide variant.
Coding change: c.271G>T on transcript NM_004177.5 (MANE Select); coding-DNA position 271, G replaced by T.
Protein change: p.Val91Phe; replaces valine 91 with phenylalanine.
Molecular consequence: missense variant.
Genome position (GRCh38, 1-based): chr11:59,788,929, G>T. VCF-style: chr11-59788929-G-T. GRCh37 (hg19) VCF-style: chr11-59556402-G-T.
Other names: c.271G>T, p.Val91Phe (NM_001178040.3); short protein forms V91F.
Identifiers: ClinVar variation 1463246 (VCV001463246.8), dbSNP rs200311584, ClinGen allele CA6020795.